The following is an entry in ClinVar:

NM_015267.4(CUX2):c.3582G>A (p.Ser1194=)

Gene: CUX2 (cut like homeobox 2; plus strand). Cytogenetic location: 12q24.12.
Variant type: single nucleotide variant.
Coding change: c.3582G>A on transcript NM_015267.4 (MANE Select); coding-DNA position 3582, G replaced by A.
Protein change: p.Ser1194=; no amino-acid change (serine 1194 retained).
Molecular consequence: synonymous variant.
Genome position (GRCh38, 1-based): chr12:111,341,976, G>A. VCF-style: chr12-111341976-G-A. GRCh37 (hg19) VCF-style: chr12-111779780-G-A.
Other names: c.3396G>A, p.Ser1132= (NM_001370598.1); c.3582G>A (NM_015267.3).
Identifiers: ClinVar variation 806944 (VCV000806944.44), dbSNP rs199568145, ClinGen allele CA6789159.

ClinVar aggregate classification (germline): Likely benign. Review status: criteria provided, multiple submitters, no conflicts (2 of 4 stars). 3 submissions from 3 submitters: Likely benign (2). 1 of the submissions does not count toward it. Last evaluated 2025-08-01.

Conditions:
CUX2-related disorder. Also called: CUX2-related condition.

Allele frequency attached by ClinVar (database versions not stated): ExAC 0.00017; TOPMed 0.00032; gnomAD 0.00035.
gnomAD v4.1: 350 of 1,613,952 alleles (0.022%); highest among the groups gnomAD compares: Admixed American, 0.07%; no homozygotes.

Submissions (3):

CeGaT Center for Human Genetics Tuebingen
Classification: Likely benign. Last evaluated: 2025-08-01. Review status: criteria provided, single submitter. Criteria: CeGaT Center For Human Genetics Tuebingen Variant Classification Criteria Version 2. Collection method: clinical testing. Allele origin: germline. Affected: yes. Observed: 9 variant alleles.
Comment: CUX2: BP4, BP7

Blueprint Genetics
Classification: Likely benign. Last evaluated: 2024-11-19. Review status: criteria provided, single submitter. Criteria: ACMG Guidelines, 2015. Collection method: clinical testing. Allele origin: germline.

PreventionGenetics, part of Exact Sciences
Classification: Likely benign for CUX2-related condition. Last evaluated: 2019-12-19. Review status: no assertion criteria provided. Collection method: clinical testing. Allele origin: germline. Not counted in ClinVar's aggregate classification.
Comment: This variant is classified as likely benign based on ACMG/AMP sequence variant interpretation guidelines (Richards et al. 2015 PMID: 25741868, with internal and published modifications).